The following is an entry in ClinVar:

ClinVar aggregate classification (germline): Uncertain significance. Review status: criteria provided, multiple submitters, no conflicts (2 of 4 stars). 2 submissions from 2 submitters: Uncertain significance (2). Last evaluated 2025-04-14.

Conditions:
Inborn genetic diseases. Identifiers: MedGen C0950123, MeSH D030342.

Allele frequency attached by ClinVar (database versions not stated): gnomAD exomes below 0.00001; TOPMed 0.00001.
gnomAD v4.1: 1 of 1,614,136 alleles (0.000062%); highest among the groups gnomAD compares: East Asian, 0.0022%; no homozygotes.

Submissions (2):

Labcorp Genetics (formerly Invitae), Labcorp
Classification: Uncertain significance. Last evaluated: 2025-04-14. Review status: criteria provided, single submitter. Criteria: Invitae Variant Classification Sherloc (09022015). Collection method: clinical testing. Allele origin: germline.
Comment: This sequence change replaces lysine, which is basic and polar, with glutamine, which is neutral and polar, at codon 878 of the CSF2RB protein (p.Lys878Gln). This variant is present in population databases (no rsID available, gnomAD 0.006%). This variant has not been reported in the literature in individuals affected with CSF2RB-related conditions. ClinVar contains an entry for this variant (Variation ID: 1366998). An algorithm developed to predict the effect of missense changes on protein structure and function (PolyPhen-2) suggests that this variant is likely to be disruptive. In summary, the available evidence is currently insufficient to determine the role of this variant in disease. Therefore, it has been classified as a Variant of Uncertain Significance.

Ambry Genetics
Classification: Uncertain significance for Inborn genetic diseases. Last evaluated: 2025-01-23. Review status: criteria provided, single submitter. Criteria: Ambry Variant Classification Scheme 2023. Collection method: clinical testing. Allele origin: germline.

NM_000395.3(CSF2RB):c.2632A>C (p.Lys878Gln)

Gene: CSF2RB (colony stimulating factor 2 receptor subunit beta; plus strand). Cytogenetic location: 22q12.3.
Variant type: single nucleotide variant.
Coding change: c.2632A>C on transcript NM_000395.3 (MANE Select); coding-DNA position 2632, A replaced by C.
Protein change: p.Lys878Gln; replaces lysine 878 with glutamine.
Molecular consequence: missense variant.
Genome position (GRCh38, 1-based): chr22:36,938,440, A>C. VCF-style: chr22-36938440-A-C. GRCh37 (hg19) VCF-style: chr22-37334482-A-C.
Other names: c.2632A>C (NM_000395.2); short protein forms K878Q.
Identifiers: ClinVar variation 1366998 (VCV001366998.9), dbSNP rs1160264211, ClinGen allele CA411411888.
Genomic context (GRCh38, chr22:36,938,440, plus strand): 5'-AAGAAGCCCCCAGGCCAGGCTGTGCCCCAGGTGCCCGTCATTCAGCTCTTCAAAGCCCTG[A>C]AGCAGCAGGACTACCTGTCTCTGCCCCCTTGGGAGGTCAACAAGCCTGGGGAGGTGTGTT-3'
Protein context (NP_000386.1, residues 868-888): VPVIQLFKAL[Lys878Gln]QQDYLSLPPW